The following is an entry in ClinVar:

NM_032492.4(JAGN1):c.77A>T (p.His26Leu)

Gene: JAGN1 (jagunal vesicle mediated transporter 1; plus strand). Cytogenetic location: 3p25.3.
Variant type: single nucleotide variant.
Coding change: c.77A>T on transcript NM_032492.4 (MANE Select); coding-DNA position 77, A replaced by T.
Protein change: p.His26Leu; replaces histidine 26 with leucine.
Molecular consequence: missense variant. On other transcripts: 5 prime UTR variant (1).
Genome position (GRCh38, 1-based): chr3:9,890,799, A>T. VCF-style: chr3-9890799-A-T. GRCh37 (hg19) VCF-style: chr3-9932483-A-T.
Other names: c.-192A>T (NM_001363890.1); short protein forms H26L.
Identifiers: ClinVar variation 1060531 (VCV001060531.5), dbSNP rs1559259122, ClinGen allele CA351712140.

ClinVar aggregate classification (germline): Uncertain significance (1 of 4 stars; one submission).

Conditions:
Autosomal recessive severe congenital neutropenia due to JAGN1 deficiency. Also called: Severe congenital neutropenia 6, autosomal recessive. Identifiers: Orphanet 423384, MedGen C4014954, MONDO:0014456, OMIM 616022.

Submission:

Labcorp Genetics (formerly Invitae), Labcorp
Classification: Uncertain significance for Autosomal recessive severe congenital neutropenia due to JAGN1 deficiency. Last evaluated: 2022-11-02. Review status: criteria provided, single submitter. Criteria: Invitae Variant Classification Sherloc (09022015). Collection method: clinical testing. Allele origin: germline.
Comment: This sequence change replaces histidine, which is basic and polar, with leucine, which is neutral and non-polar, at codon 26 of the JAGN1 protein (p.His26Leu). This variant is not present in population databases (gnomAD no frequency). This variant has not been reported in the literature in individuals affected with JAGN1-related conditions. ClinVar contains an entry for this variant (Variation ID: 1060531). Algorithms developed to predict the effect of missense changes on protein structure and function (SIFT, PolyPhen-2, Align-GVGD) all suggest that this variant is likely to be tolerated. In summary, the available evidence is currently insufficient to determine the role of this variant in disease. Therefore, it has been classified as a Variant of Uncertain Significance.